The following is an entry in ClinVar:

ClinVar aggregate classification (germline): Uncertain significance (1 of 4 stars; one submission).

Allele frequency attached by ClinVar (database versions not stated): TOPMed below 0.00001; gnomAD 0.00001.
gnomAD v4.1: 1 of 1,613,136 alleles (0.000062%); highest among the groups gnomAD compares: Non-Finnish European, 0.000085%; no homozygotes.

Submission:

Labcorp Genetics (formerly Invitae), Labcorp
Classification: Uncertain significance. Last evaluated: 2024-06-17. Review status: criteria provided, single submitter. Criteria: Invitae Variant Classification Sherloc (09022015). Collection method: clinical testing. Allele origin: germline.
Comment: This sequence change falls in intron 4 of the SEC24D gene. It does not directly change the encoded amino acid sequence of the SEC24D protein. It affects a nucleotide within the consensus splice site. This variant is not present in population databases (gnomAD no frequency). This variant has not been reported in the literature in individuals affected with SEC24D-related conditions. ClinVar contains an entry for this variant (Variation ID: 1366438). Variants that disrupt the consensus splice site are a relatively common cause of aberrant splicing (PMID: 17576681, 9536098). Algorithms developed to predict the effect of sequence changes on RNA splicing suggest that this variant may disrupt the consensus splice site. In summary, the available evidence is currently insufficient to determine the role of this variant in disease. Therefore, it has been classified as a Variant of Uncertain Significance.

Literature cited by the submitters: PubMed 17576681; PubMed 9536098.

NM_014822.4(SEC24D):c.398-3C>G

Gene: SEC24D (SEC24 homolog D, COPII component; minus strand). Cytogenetic location: 4q26.
Variant type: single nucleotide variant.
Coding change: c.398-3C>G on transcript NM_014822.4 (MANE Select); 3 bases into the intron before coding-DNA position 398, C replaced by G.
Molecular consequence: intron variant.
Genome position (GRCh38, 1-based): chr4:118,815,729, G>C on the plus strand (C>G on the coding strand, the complement: SEC24D is on the minus strand). VCF-style: chr4-118815729-G-C. GRCh37 (hg19) VCF-style: chr4-119736884-G-C.
Other names: c.398-3C>G (NM_001318066.2).
Identifiers: ClinVar variation 1366438 (VCV001366438.6), dbSNP rs1730118198, ClinGen allele CA1067241599.